The following is an entry in ClinVar:

ClinVar aggregate classification (germline): Pathogenic/Likely pathogenic. Review status: criteria provided, multiple submitters, no conflicts (2 of 4 stars). 2 submissions from 2 submitters: Pathogenic (1); Likely pathogenic (1). Last evaluated 2023-10-18.

Conditions:
Glutaric aciduria, type 1. Also called: Glutaric acidemia type I; Glutaricacidemia Type 1; Glutaric Acidemia Type 1; GA I; Glutaryl-CoA dehydrogenase deficiency; Glutaricaciduria, type I. Identifiers: Orphanet 25, MedGen C0268595, MONDO:0009281, OMIM 231670.

Submissions (2):

Baylor Genetics
Classification: Likely pathogenic for Glutaric aciduria, type 1. Last evaluated: 2023-10-18. Review status: criteria provided, single submitter. Criteria: ACMG Guidelines, 2015. Collection method: clinical testing. Allele origin: unknown.

Myriad Genetics, Inc.
Classification: Pathogenic for Glutaric aciduria, type 1. Last evaluated: 2023-09-27. Review status: criteria provided, single submitter. Criteria: Myriad Autosomal Dominant, Autosomal Recessive and X-Linked Classification Criteria (2023). Collection method: clinical testing. Allele origin: unknown.
Comment: NM_000159.2(GCDH):c.397dupG(V133Gfs*55) is expected to be pathogenic in the context of glutaric acidemia, GCDH-related. This variant is predicted to lead to an abnormal or absent protein product due to the creation of a premature termination codon in GCDH, a gene where loss-of-function variants are known to be pathogenic. Please note: this variant was assessed in the context of healthy population screening.

NM_000159.4(GCDH):c.397dup (p.Val133fs)

Gene: GCDH (glutaryl-CoA dehydrogenase; plus strand). Cytogenetic location: 19p13.13.
Variant type: Duplication.
Coding change: c.397dup on transcript NM_000159.4 (MANE Select); coding-DNA position 397, one base duplicated (G; older notation c.397dupG).
Protein change: p.Val133fs; shifts the reading frame from valine 133.
Molecular consequence: frameshift variant. On other transcripts: non-coding transcript variant (2).
Genome position (GRCh38, 1-based): chr19:12,893,545, G duplicated; the last of 3 consecutive G bases (chr19:12,893,543-12,893,545); duplicating any one gives the same sequence. VCF-style (leftmost placement, unchanged base first): chr19-12893542-C-CG. GRCh37 (hg19) VCF-style: chr19-13004356-C-CG.
Other names: c.397dup, p.Val133fs (NM_013976.5); short protein forms V133fs.
Identifiers: ClinVar variation 2675869 (VCV002675869.2), dbSNP rs2512567938, ClinGen allele CA2695198143.
Genomic context (GRCh38, chr19:12,893,542, plus strand): 5'-GGATATGGCTGTGCTGGGGTTTCGTCTGTGGCCTATGGGCTCCTGGCCCGAGAGCTGGAG[C>CG]GGGTGGACAGTGGCTACAGGTCGGCGATGAGTGTCCAGTCCTCCCTCGTCATGCACCCTA-3'